The following is an entry in ClinVar:

NM_024675.4(PALB2):c.2718G>A (p.Trp906Ter)

Gene: PALB2 (partner and localizer of BRCA2; minus strand). Cytogenetic location: 16p12.2.
Variant type: single nucleotide variant.
Coding change: c.2718G>A on transcript NM_024675.4 (MANE Select); coding-DNA position 2718, G replaced by A.
Protein change: p.Trp906Ter; replaces tryptophan 906 with a stop codon.
Molecular consequence: nonsense.
Genome position (GRCh38, 1-based): chr16:23,626,266, C>T on the plus strand (G>A on the coding strand, the complement: PALB2 is on the minus strand). VCF-style: chr16-23626266-C-T. GRCh37 (hg19) VCF-style: chr16-23637587-C-T.
Other names: short protein forms W906*.
Identifiers: ClinVar variation 126675 (VCV000126675.48), dbSNP rs180177122, ClinGen allele CA269561.

ClinVar aggregate classification (germline): Pathogenic/Likely pathogenic. Review status: criteria provided, multiple submitters, no conflicts (2 of 4 stars). 15 submissions from 15 submitters: Pathogenic (10); Likely pathogenic (1). 4 of the submissions do not count toward it. Last evaluated 2026-01-22.

Conditions:
Pancreatic cancer, susceptibility to, 3. Identifiers: Orphanet 1333, MedGen C3150547, MONDO:0013236, OMIM 613348.
Fanconi anemia complementation group N. Also called: PALB2-Related Fanconi Anemia. Identifiers: Orphanet 84, MedGen C1835817, MONDO:0012565, OMIM 610832. Disease mechanism: loss of function.
Breast-ovarian cancer, familial, susceptibility to, 5 (BROVCA5). Identifiers: MedGen C5830615, MONDO:0957530, OMIM 620442.
Inherited breast cancer and ovarian cancer.
Familial cancer of breast. Also called: BREAST CANCER, FAMILIAL; Hereditary breast cancer; hereditary breast carcinoma. Identifiers: Orphanet 227535, MedGen C0346153, MONDO:0016419, OMIM 114480. Disease mechanism: loss of function.
Hereditary cancer-predisposing syndrome. Also called: Tumor predisposition; Hereditary Cancer Syndrome; Neoplastic Syndromes, Hereditary; Hereditary neoplastic syndrome. Identifiers: Orphanet 140162, MedGen C0027672, MeSH D009386, MONDO:0015356.
Hereditary breast ovarian cancer syndrome. Also called: Hereditary breast and ovarian cancer; Hereditary breast and/or ovarian cancer syndrome; BRCA1- and BRCA2-Associated Hereditary Breast and Ovarian Cancer; Hereditary breast and ovarian cancer syndrome; Hereditary breast and ovarian cancer syndrome (HBOC); Breast and ovarian cancer. Identifiers: Orphanet 145, MedGen C0677776, MeSH D061325, MONDO:0003582. Disease mechanism: loss of function.

Allele frequency attached by ClinVar (database versions not stated): gnomAD exomes 0.00001.
gnomAD v4.1: 10 of 1,614,154 alleles (0.00062%); highest among the groups gnomAD compares: Non-Finnish European, 0.00085%; no homozygotes.

Submissions (15):

Cambridge Genomics Laboratory, East Genomic Laboratory Hub, NHS Genomic Medicine Service
Classification: Likely pathogenic for Inherited breast cancer and ovarian cancer. Last evaluated: 2026-01-22. Review status: criteria provided, single submitter. Criteria: ACGS Best Practice Guidelines for Variant Classification in Rare Disease 2020. Collection method: clinical testing. Allele origin: germline. Affected: yes.
Comment: PVS1,PM5_Supporting

Center for Genomic Medicine, Rigshospitalet, Copenhagen University Hospital
Classification: Pathogenic. Last evaluated: 2025-12-29. Review status: criteria provided, single submitter. Criteria: ACMG Guidelines, 2015. Collection method: clinical testing. Allele origin: germline.
Comment: Classification criteria: PVS1, PM2_supporting, PM5_supporting

Labcorp Genetics (formerly Invitae), Labcorp
Classification: Pathogenic for Familial cancer of breast. Last evaluated: 2025-04-07. Review status: criteria provided, single submitter. Criteria: Invitae Variant Classification Sherloc (09022015). Collection method: clinical testing. Allele origin: germline.
Comment: This sequence change creates a premature translational stop signal (p.Trp906*) in the PALB2 gene. It is expected to result in an absent or disrupted protein product. Loss-of-function variants in PALB2 are known to be pathogenic (PMID: 17200668, 17200671, 17200672, 24136930, 25099575). This variant is not present in population databases (gnomAD no frequency). This premature translational stop signal has been observed in individual(s) with breast cancer (PMID: 21285249). ClinVar contains an entry for this variant (Variation ID: 126675). RNA analysis performed to evaluate the impact of this premature translational stop signal on mRNA splicing indicates it does not significantly alter splicing (internal data). For these reasons, this variant has been classified as Pathogenic.

Ambry Genetics
Classification: Pathogenic for Hereditary cancer-predisposing syndrome. Last evaluated: 2025-02-28. Review status: criteria provided, single submitter. Criteria: Ambry Variant Classification Scheme 2023. Collection method: clinical testing. Allele origin: germline.
Comment: The p.W906* pathogenic mutation (also known as c.2718G>A), located in coding exon 7 of the PALB2 gene, results from a G to A substitution at nucleotide position 2718. This changes the amino acid from a tryptophan to a stop codon within coding exon 7. This alteration has been reported in multiple breast cancer cohorts (Casadei S et al. Cancer Res. 2011 Mar;71:2222-9; Antoniou AC et al. N. Engl. J. Med. 2014 Aug;371:497-506; Decker B et al. J. Med. Genet. 2017 Aug). This variant is considered to be rare based on population cohorts in the Genome Aggregation Database (gnomAD). In addition to the clinical data presented in the literature, this alteration is expected to result in loss of function by premature protein truncation or nonsense-mediated mRNA decay. As such, this alteration is interpreted as a disease-causing mutation.

Department of Clinical Genetics, Copenhagen University Hospital, Rigshospitalet
Classification: Pathogenic for Hereditary cancer-predisposing syndrome. Last evaluated: 2025-02-04. Review status: criteria provided, single submitter. Criteria: ACMG Guidelines, 2015. Collection method: clinical testing. Allele origin: germline.
Comment: PVS1; PM2_SUP, PM5_SUP

Women's Health and Genetics/Laboratory Corporation of America, LabCorp
Classification: Pathogenic for Hereditary breast ovarian cancer syndrome. Last evaluated: 2024-09-03. Review status: criteria provided, single submitter. Criteria: LabCorp Variant Classification Summary - May 2015. Collection method: clinical testing. Allele origin: germline.
Comment: Variant summary: PALB2 c.2718G>A (p.Trp906X) results in a premature termination codon, predicted to cause absence of the protein due to nonsense mediated decay, which is a commonly known mechanism for disease. The variant was absent in 251486 control chromosomes. c.2718G>A has been reported in the literature in multiple individuals affected with Breast Cancer (example, Decker_2017). These data indicate that the variant is very likely to be associated with disease. To our knowledge, no experimental evidence demonstrating an impact on protein function has been reported. The following publication has been ascertained in the context of this evaluation (PMID: 28779002). ClinVar contains an entry for this variant (Variation ID: 126675). Based on the evidence outlined above, the variant was classified as pathogenic.

Myriad Genetics, Inc.
Classification: Pathogenic for Familial cancer of breast. Last evaluated: 2023-09-13. Review status: criteria provided, single submitter. Criteria: Myriad Autosomal Dominant, Autosomal Recessive and X-Linked Classification Criteria (2023). Collection method: clinical testing. Allele origin: unknown.
Comment: This variant is considered pathogenic. This variant creates a termination codon and is predicted to result in premature protein truncation.

GeneDx
Classification: Pathogenic. Last evaluated: 2023-05-26. Review status: criteria provided, single submitter. Criteria: GeneDx Variant Classification Process June 2021. Collection method: clinical testing. Allele origin: germline. Affected: yes.
Comment: Nonsense variant predicted to result in protein truncation or nonsense mediated decay in a gene for which loss of function is a known mechanism of disease; Not observed at significant frequency in large population cohorts (gnomAD); Truncating variants in this gene are considered pathogenic by a well-established clinical consortium and/or database; This variant is associated with the following publications: (PMID: 21285249, 25525159, 24870022, 23935381, 25099575, 22692731, 28779002, 29922827, 31263054, 31514334, 33084842)

Fulgent Genetics
Classification: Pathogenic for Familial cancer of breast; Fanconi anemia complementation group N; Pancreatic cancer, susceptibility to, 3. Last evaluated: 2022-03-22. Review status: criteria provided, single submitter. Criteria: ACMG Guidelines, 2015. Collection method: clinical testing. Allele origin: unknown.

Department of Pathology and Laboratory Medicine, Sinai Health System
Classification: Pathogenic for Fanconi anemia complementation group N; Pancreatic cancer, susceptibility to, 3; Breast-ovarian cancer, familial, susceptibility to, 5. Last evaluated: 2022-03-08. Review status: criteria provided, single submitter. Criteria: ACMG Guidelines, 2015. Collection method: clinical testing. Allele origin: germline. Affected: no.

Color Diagnostics, LLC DBA Color Health
Classification: Pathogenic for Hereditary cancer-predisposing syndrome. Last evaluated: 2020-01-15. Review status: criteria provided, single submitter. Criteria: ACMG Guidelines, 2015. Collection method: clinical testing. Allele origin: germline.
Comment: This variant changes 1 nucleotide in exon 7 of the PALB2 gene, creating a premature translation stop signal. This variant is expected to result in an absent or non-functional protein product. This variant has not been identified in the general population by the Genome Aggregation Database (gnomAD). Loss of PALB2 function is a known mechanism of disease. Based on the available evidence, this variant is classified as Pathogenic.

deCODE genetics, Amgen
Classification: Pathogenic for Familial cancer of breast. Last evaluated: 2023-07-21. Review status: no assertion criteria provided. Collection method: research. Allele origin: germline. Affected: yes. Observed: 239 variant alleles. Not counted in ClinVar's aggregate classification.
Comment: The variant NM_024675.4:c.2718G>A (chr16:23626266 in PALB2) was detected in 88 heterozygotes out of 58K WGS Icelanders (MAF= 0,076%). Following imputation in a set of 166K Icelanders (239 imputed heterozygotes) we observed an association with breast cancer using 6908 cases and 292623 controls (OR= 3.58, P= 1.46e-06). This variant has been reported in ClinVar previously as pathogenic. Based on ACMG criteria (PVS1, PS4, PP5) this variant classifies as pathogenic.

Leiden Open Variation Database
Classification: Pathogenic for Familial cancer of breast. Last evaluated: 2019-05-13. Review status: no assertion criteria provided. Collection method: curation. Allele origin: germline. Affected: yes. Not counted in ClinVar's aggregate classification.
Comment: Curators: Marc Tischkowitz, Arleen D. Auerbach. Submitter to LOVD: Marc Tischkowitz.

Genome Diagnostics Laboratory, Amsterdam University Medical Center
Classification: Pathogenic. Review status: no assertion criteria provided. Collection method: clinical testing. Allele origin: germline. Affected: yes. Study: VKGL Data-share Consensus. Not counted in ClinVar's aggregate classification.

Joint Genome Diagnostic Labs from Nijmegen and Maastricht, Radboudumc and MUMC+
Classification: Pathogenic. Review status: no assertion criteria provided. Collection method: clinical testing. Allele origin: germline. Affected: yes. Study: VKGL Data-share Consensus. Not counted in ClinVar's aggregate classification.

Literature cited by the submitters: PubMed 28779002 (cited by 3 submitters); PubMed 29922827 (cited by Center for Genomic Medicine, Rigshospitalet, Copenhagen University Hospital and Department of Pathology and Laboratory Medicine, Sinai Health System); PubMed 25099585 (cited by Center for Genomic Medicine, Rigshospitalet, Copenhagen University Hospital); PubMed 17200668 (cited by Labcorp Genetics (formerly Invitae), Labcorp); PubMed 17200671 (cited by Labcorp Genetics (formerly Invitae), Labcorp); PubMed 17200672 (cited by Labcorp Genetics (formerly Invitae), Labcorp); PubMed 24136930 (cited by Labcorp Genetics (formerly Invitae), Labcorp); PubMed 25099575 (cited by 3 submitters); PubMed 21285249 (cited by 4 submitters).